The following is an entry in ClinVar:

ClinVar aggregate classification (germline): Uncertain significance. Review status: criteria provided, multiple submitters, no conflicts (2 of 4 stars). 3 submissions from 3 submitters: Uncertain significance (2). 1 of the submissions does not count toward it. Last evaluated 2024-06-16.

Conditions:
Hereditary cancer-predisposing syndrome. Also called: Hereditary neoplastic syndrome; Neoplastic Syndromes, Hereditary; Tumor predisposition; Hereditary Cancer Syndrome. Identifiers: Orphanet 140162, MedGen C0027672, MeSH D009386, MONDO:0015356.
Familial cancer of breast. Also called: BREAST CANCER, FAMILIAL; Hereditary breast cancer; hereditary breast carcinoma. Identifiers: Orphanet 227535, MedGen C0346153, MONDO:0016419, OMIM 114480. Disease mechanism: loss of function.

Submissions (3):

Labcorp Genetics (formerly Invitae), Labcorp
Classification: Uncertain significance for Familial cancer of breast. Last evaluated: 2024-06-16. Review status: criteria provided, single submitter. Criteria: Invitae Variant Classification Sherloc (09022015). Collection method: clinical testing. Allele origin: germline.
Comment: This sequence change replaces proline, which is neutral and non-polar, with histidine, which is basic and polar, at codon 637 of the PALB2 protein (p.Pro637His). This variant is not present in population databases (gnomAD no frequency). This variant has not been reported in the literature in individuals affected with PALB2-related conditions. ClinVar contains an entry for this variant (Variation ID: 830151). Advanced modeling of protein sequence and biophysical properties (such as structural, functional, and spatial information, amino acid conservation, physicochemical variation, residue mobility, and thermodynamic stability) performed at Invitae indicates that this missense variant is not expected to disrupt PALB2 protein function with a negative predictive value of 80%. In summary, the available evidence is currently insufficient to determine the role of this variant in disease. Therefore, it has been classified as a Variant of Uncertain Significance.

Ambry Genetics
Classification: Uncertain significance for Hereditary cancer-predisposing syndrome. Last evaluated: 2015-11-27. Review status: criteria provided, single submitter. Criteria: Ambry Variant Classification Scheme 2023. Collection method: clinical testing. Allele origin: germline.
Comment: The p.P637H variant (also known as c.1910C>A), located in coding exon 5 of the PALB2 gene, results from a C to A substitution at nucleotide position 1910. The proline at codon 637 is replaced by histidine, an amino acid with similar properties. This variant was not reported in population based cohorts in the following databases: Database of Single Nucleotide Polymorphisms (dbSNP), NHLBI Exome Sequencing Project (ESP), and 1000 Genomes Project. In the ESP, this variant was not observed in 6496 samples (12992 alleles) with coverage at this position. To date, this alteration has been detected with an allele frequency of approximately 0.001% (greater than 130000 alleles tested) in our clinical cohort. This amino acid position is not well conserved in available vertebrate species. In addition, this alteration is predicted to be tolerated by in silico analysis. Since supporting evidence for this variant is limited at this time, the clinical significance of p.P637H remains unclear.

Leiden Open Variation Database
Classification: Uncertain significance. Last evaluated: 2018-10-10. Review status: no assertion criteria provided. Collection method: curation. Allele origin: germline. Affected: yes. Not counted in ClinVar's aggregate classification.
Comment: Curators: Marc Tischkowitz, Arleen D. Auerbach. Submitter to LOVD: Yukihide Momozawa.

Literature cited by the submitters: PubMed 30287823 (cited by Leiden Open Variation Database).

NM_024675.4(PALB2):c.1910C>A (p.Pro637His)

Gene: PALB2 (partner and localizer of BRCA2; minus strand). Cytogenetic location: 16p12.2.
Variant type: single nucleotide variant.
Coding change: c.1910C>A on transcript NM_024675.4 (MANE Select); coding-DNA position 1910, C replaced by A.
Protein change: p.Pro637His; replaces proline 637 with histidine.
Molecular consequence: missense variant.
Genome position (GRCh38, 1-based): chr16:23,630,244, G>T on the plus strand (C>A on the coding strand, the complement: PALB2 is on the minus strand). VCF-style: chr16-23630244-G-T. GRCh37 (hg19) VCF-style: chr16-23641565-G-T.
Other names: short protein forms P637H.
Identifiers: ClinVar variation 830151 (VCV000830151.5), dbSNP rs878855104, ClinGen allele CA395127546.